The following is an entry in ClinVar:

ClinVar aggregate classification (germline): Likely benign. Review status: criteria provided, multiple submitters, no conflicts (2 of 4 stars). 6 submissions from 6 submitters: Likely benign (6). Last evaluated 2025-10-23.

Conditions:
Arrhythmogenic right ventricular dysplasia 9 (ARVD9). Also called: ARRHYTHMOGENIC RIGHT VENTRICULAR DYSPLASIA, FAMILIAL, 9; Arrhythmogenic Right Ventricular Dysplasia/Cardiomyopathy 9. Identifiers: MedGen C1836906, MONDO:0012180, OMIM 609040.
Arrhythmogenic right ventricular cardiomyopathy (ARVD). Also called: Cardiomyopathy, ARVC; Arrhythmogenic right ventricular dysplasia; Arrhythmogenic Right Ventricular Cardiomyopathy (ARVC); Arrhythmogenic cardiomyopathy. Identifiers: Orphanet 247, MedGen C0349788, MeSH D019571, MONDO:0016587. Disease mechanism: loss of function. Inheritance: Various modes of inheritance.
Cardiomyopathy (CMYO). Also called: Cardiomyopathies. Identifiers: Orphanet 167848, MedGen C0878544, MONDO:0004994, HP:0001638. Inheritance: Various modes of inheritance.
Cardiovascular phenotype. Identifiers: MedGen CN230736.

gnomAD v4.1: 15 of 1,613,376 alleles (0.00093%); highest among the groups gnomAD compares: Admixed American, 0.0017%; no homozygotes.

Submissions (6):

Labcorp Genetics (formerly Invitae), Labcorp
Classification: Likely benign for Arrhythmogenic right ventricular dysplasia 9. Last evaluated: 2025-10-23. Review status: criteria provided, single submitter. Criteria: Invitae Variant Classification Sherloc (09022015). Collection method: clinical testing. Allele origin: germline.

All of Us Research Program, National Institutes of Health
Classification: Likely benign for Arrhythmogenic right ventricular cardiomyopathy. Last evaluated: 2023-10-06. Review status: criteria provided, single submitter. Criteria: ACMG Guidelines, 2015. Collection method: clinical testing. Allele origin: germline. Inheritance: Autosomal dominant inheritance. Observed: 2 variant alleles, 2 heterozygotes.
Comment: This study involves interpretation of variants in research participants for the purpose of population health screening. Participant phenotype was not available at the time of variant classification. Additional details can be found in publication PMID: 35346344, PMCID: PMC8962531

Ambry Genetics
Classification: Likely benign for Cardiovascular phenotype. Last evaluated: 2023-10-03. Review status: criteria provided, single submitter. Criteria: Ambry Variant Classification Scheme 2023. Collection method: clinical testing. Allele origin: germline.

Color Diagnostics, LLC DBA Color Health
Classification: Likely benign for Cardiomyopathy. Last evaluated: 2022-11-06. Review status: criteria provided, single submitter. Criteria: ACMG Guidelines, 2015. Collection method: clinical testing. Allele origin: germline.

Blueprint Genetics
Classification: Likely benign. Last evaluated: 2022-07-22. Review status: criteria provided, single submitter. Criteria: ACMG Guidelines, 2015. Collection method: clinical testing. Allele origin: germline.

CHEO Genetics Diagnostic Laboratory, Children's Hospital of Eastern Ontario
Classification: Likely benign for Cardiomyopathy. Last evaluated: 2021-09-16. Review status: criteria provided, single submitter. Criteria: ACMG Guidelines, 2015. Collection method: clinical testing. Allele origin: germline.

NM_001005242.3(PKP2):c.1593G>C (p.Ala531=)

Gene: PKP2 (plakophilin 2; minus strand). Cytogenetic location: 12p11.21.
Variant type: single nucleotide variant.
Coding change: c.1593G>C on transcript NM_001005242.3 (MANE Select); coding-DNA position 1593, G replaced by C.
Protein change: p.Ala531=; no amino-acid change (alanine 531 retained).
Molecular consequence: synonymous variant.
Genome position (GRCh38, 1-based): chr12:32,824,126, C>G on the plus strand (G>C on the coding strand, the complement: PKP2 is on the minus strand). VCF-style: chr12-32824126-C-G. GRCh37 (hg19) VCF-style: chr12-32977060-C-G.
Other names: c.1725G>C, p.Ala575= (NM_004572.4); c.1725G>C (NM_004572.3).
Identifiers: ClinVar variation 1587922 (VCV001587922.13), dbSNP rs760093803, ClinGen allele CA030569.